The following is an entry in ClinVar:

ClinVar aggregate classification (germline): Conflicting classifications of pathogenicity. Review status: criteria provided, conflicting classifications (1 of 4 stars). 3 submissions from 3 submitters: Uncertain significance (1); Likely benign (1). 1 of the submissions does not count toward it. Last evaluated 2025-06-11.

Conditions:
Glycogen storage disease, type II (IOPD). Also called: Glycogen storage disease type 2; Acid maltase deficiency disease; Aglucosidase alfa; Deficiency of alpha-glucosidase; Deficiency of lysosomal alpha-glucosidase; Glucosidase acid-1,4-alpha deficiency. Identifiers: Orphanet 365, MedGen C0017921, MONDO:0009290, OMIM 232300.

Allele frequency attached by ClinVar (database versions not stated): gnomAD 0.00001; gnomAD exomes 0.00001 and 0.00002; TOPMed 0.00001; ExAC 0.00004.
gnomAD v4.1: 21 of 1,612,696 alleles (0.0013%); highest among the groups gnomAD compares: Middle Eastern, 0.066%; 1 homozygote.

Submissions (3):

Mayo Clinic Laboratories, Mayo Clinic
Classification: Uncertain significance. Last evaluated: 2025-06-11. Review status: criteria provided, single submitter. Criteria: ACMG Guidelines, 2015. Collection method: clinical testing. Allele origin: germline. Observed: 2 variant alleles.
Comment: BP4

Labcorp Genetics (formerly Invitae), Labcorp
Classification: Likely benign for Glycogen storage disease, type II. Last evaluated: 2024-11-17. Review status: criteria provided, single submitter. Criteria: Invitae Variant Classification Sherloc (09022015). Collection method: clinical testing. Allele origin: germline.

Natera, Inc.
Classification: Likely benign for Glycogen storage disease type II. Last evaluated: 2021-09-17. Review status: no assertion criteria provided. Collection method: clinical testing. Allele origin: germline. Not counted in ClinVar's aggregate classification.

NM_000152.5(GAA):c.2392A>G (p.Ile798Val)

Gene: GAA (alpha glucosidase; plus strand). Cytogenetic location: 17q25.3.
Variant type: single nucleotide variant.
Coding change: c.2392A>G on transcript NM_000152.5 (MANE Select); coding-DNA position 2392, A replaced by G.
Protein change: p.Ile798Val; replaces isoleucine 798 with valine.
Molecular consequence: missense variant.
Genome position (GRCh38, 1-based): chr17:80,117,660, A>G. VCF-style: chr17-80117660-A-G. GRCh37 (hg19) VCF-style: chr17-78091459-A-G.
Other names: p.Ile798Val; c.2392A>G, p.Ile798Val (NM_001079803.3, NM_001079804.3); short protein forms I798V.
Identifiers: ClinVar variation 1134083 (VCV001134083.14), dbSNP rs752459996, ClinGen allele CA8815725.